The following is an entry in ClinVar:

NM_004859.4(CLTC):c.3382T>A (p.Tyr1128Asn)

Gene: CLTC (clathrin heavy chain; plus strand). Cytogenetic location: 17q23.1.
Variant type: single nucleotide variant.
Coding change: c.3382T>A on transcript NM_004859.4 (MANE Select); coding-DNA position 3382, T replaced by A.
Protein change: p.Tyr1128Asn; replaces tyrosine 1128 with asparagine.
Molecular consequence: missense variant.
Genome position (GRCh38, 1-based): chr17:59,681,779, T>A. VCF-style: chr17-59681779-T-A. GRCh37 (hg19) VCF-style: chr17-57759140-T-A.
Other names: c.3394T>A, p.Tyr1132Asn (NM_001288653.2); short protein forms Y1128N, Y1132N.
Identifiers: ClinVar variation 3343537 (VCV003343537.1).

ClinVar aggregate classification (germline): Uncertain significance (1 of 4 stars; one submission).

Submission:

GeneDx
Classification: Uncertain significance. Last evaluated: 2023-05-21. Review status: criteria provided, single submitter. Criteria: GeneDx Variant Classification Process June 2021. Collection method: clinical testing. Allele origin: germline. Affected: yes.
Comment: Not observed at significant frequency in large population cohorts (gnomAD); In silico analysis supports that this missense variant has a deleterious effect on protein structure/function; Has not been previously published as pathogenic or benign to our knowledge